The following is an entry in ClinVar:

NM_000245.4(MET):c.3615G>T (p.Leu1205Phe)

Gene: MET (MET proto-oncogene, receptor tyrosine kinase; plus strand). Cytogenetic location: 7q31.2.
Variant type: single nucleotide variant.
Coding change: c.3615G>T on transcript NM_000245.4 (MANE Select); coding-DNA position 3615, G replaced by T.
Protein change: p.Leu1205Phe; replaces leucine 1205 with phenylalanine.
Molecular consequence: missense variant.
Genome position (GRCh38, 1-based): chr7:116,782,080, G>T. VCF-style: chr7-116782080-G-T. GRCh37 (hg19) VCF-style: chr7-116422134-G-T.
Other names: c.3669G>T, p.Leu1223Phe (NM_001127500.3); c.2325G>T, p.Leu775Phe (NM_001324402.2); short protein forms L775F, L1223F, L1205F.
Identifiers: ClinVar variation 2587499 (VCV002587499.2), dbSNP rs2117060563, ClinGen allele CA368991213.

ClinVar aggregate classification (germline): Uncertain significance (1 of 4 stars; one submission).

Conditions:
Hereditary cancer-predisposing syndrome. Also called: Tumor predisposition; Hereditary Cancer Syndrome; Hereditary neoplastic syndrome; Neoplastic Syndromes, Hereditary. Identifiers: Orphanet 140162, MedGen C0027672, MeSH D009386, MONDO:0015356.

Submission:

Ambry Genetics
Classification: Uncertain significance for Hereditary cancer-predisposing syndrome. Last evaluated: 2023-09-06. Review status: criteria provided, single submitter. Criteria: Ambry Variant Classification Scheme 2023. Collection method: clinical testing. Allele origin: germline.
Comment: The p.L1223F variant (also known as c.3669G>T), located in coding exon 17 of the MET gene, results from a G to T substitution at nucleotide position 3669. The leucine at codon 1223 is replaced by phenylalanine, an amino acid with highly similar properties. This amino acid position is highly conserved in available vertebrate species. In addition, this alteration is predicted to be deleterious by in silico analysis. Since supporting evidence is limited at this time, the clinical significance of this alteration remains unclear.